The following is an entry in ClinVar:

ClinVar aggregate classification (germline): Likely pathogenic (0 of 4 stars; one submission).

Conditions:
Polycystic kidney disease, adult type (PKD1). Also called: POLYCYSTIC KIDNEY DISEASE 1 WITH OR WITHOUT POLYCYSTIC LIVER DISEASE; POLYCYSTIC KIDNEY DISEASE, ADULT, TYPE I; Polycystic Kidney Disease 1, Autosomal Dominant; Polycystic kidney disease 1; Polycystic kidney disease 1, severe; Polycystic Kidney, Autosomal Dominant. Identifiers: MedGen C3149841, MONDO:0008263, OMIM 173900.

Submission:

UGC Analisis Clinicos, Hospital Universitario Reina Sofia de Cordoba
Classification: Likely pathogenic for Polycystic kidney disease, adult type. Last evaluated: 2021-12-21. Review status: no assertion criteria provided. Collection method: clinical testing. Allele origin: inherited. Inheritance: Autosomal dominant inheritance. Affected: yes. Observed: 5 variant alleles, 5 heterozygotes. Clinical features observed: Polycystic kidney disease (HP:0000113).
Comment: This variant is missense type and results in a change from Ala to Asp in 153 aminoacid position in PKD1 gene. It is not reported in any mutation database and the poblational frequency remains unknown. In addition, the in silico prediction for this alteration is Likely Pathogenic. This alteration has been identificated in all members of the same family with conditional clinical features of polycystic kidney disease. In conclusion, we consider that this variant might be likely patogenic.

NM_001009944.3(PKD1):c.458C>A (p.Ala153Asp)

Gene: PKD1 (polycystin 1, transient receptor potential channel interacting; minus strand). Cytogenetic location: 16p13.3.
Variant type: single nucleotide variant.
Coding change: c.458C>A on transcript NM_001009944.3 (MANE Select); coding-DNA position 458, C replaced by A.
Protein change: p.Ala153Asp; replaces alanine 153 with aspartic acid.
Molecular consequence: missense variant.
Genome position (GRCh38, 1-based): chr16:2,118,747, G>T on the plus strand (C>A on the coding strand, the complement: PKD1 is on the minus strand). VCF-style: chr16-2118747-G-T. GRCh37 (hg19) VCF-style: chr16-2168748-G-T.
Other names: A153D; c.458C>A, p.Ala153Asp (NM_000296.4).
Identifiers: ClinVar variation 1345043 (VCV001345043.3), dbSNP rs2092678870, ClinGen allele CA394395412.